The following is an entry in ClinVar:

NM_007294.4(BRCA1):c.4947_4948insT (p.Met1650fs)

Gene: BRCA1 (BRCA1 DNA repair associated; minus strand). Cytogenetic location: 17q21.31.
Variant type: Insertion.
Coding change: c.4947_4948insT on transcript NM_007294.4 (MANE Select); coding-DNA positions 4947 to 4948, T inserted.
Protein change: p.Met1650fs; shifts the reading frame from methionine 1650.
Molecular consequence: frameshift variant. On other transcripts: non-coding transcript variant (1).
Genome position: GRCh38 VCF-style: chr17-43070966-T-TA. GRCh37 (hg19) VCF-style: chr17-41222983-T-TA.
Other names: c.4734_4735insT, p.Met1579Tyrfs (NM_001407571.1, NM_001407894.1, NM_001407895.1 and 12 more transcripts); c.5013_5014insT, p.Met1672Tyrfs (NM_001407581.1, NM_001407582.1); c.5010_5011insT, p.Met1671Tyrfs (NM_001407583.1, NM_001407585.1, NM_001407587.1); c.5007_5008insT, p.Met1670Tyrfs (NM_001407590.1, NM_001407591.1); c.4947_4948insT, p.Met1650Tyrfs (NM_001407593.1, NM_001407594.1, NM_001407596.1 and 8 more transcripts); c.4944_4945insT, p.Met1649Tyrfs (NM_001407610.1, NM_001407611.1, NM_001407612.1 and 17 more transcripts); c.4941_4942insT, p.Met1648Tyrfs (NM_001407627.1, NM_001407628.1, NM_001407629.1 and 14 more transcripts); c.4938_4939insT, p.Met1647Tyrfs (NM_001407644.1, NM_001407645.1); and 73 more; short protein forms M1603fs, M1650fs, M1671fs, M546fs.
Identifiers: ClinVar variation 1076914 (VCV001076914.3), dbSNP rs2153811844, ClinGen allele CA2499224389.

ClinVar aggregate classification (germline): Pathogenic (1 of 4 stars; one submission).

Conditions:
Hereditary breast ovarian cancer syndrome. Also called: Hereditary breast and ovarian cancer; Breast and ovarian cancer; BRCA1- and BRCA2-Associated Hereditary Breast and Ovarian Cancer; Hereditary breast and/or ovarian cancer syndrome; Hereditary breast and ovarian cancer syndrome; Hereditary breast and ovarian cancer syndrome (HBOC). Identifiers: Orphanet 145, MedGen C0677776, MeSH D061325, MONDO:0003582. Disease mechanism: loss of function.

Submission:

Labcorp Genetics (formerly Invitae), Labcorp
Classification: Pathogenic for Hereditary breast ovarian cancer syndrome. Last evaluated: 2021-12-05. Review status: criteria provided, single submitter. Criteria: Invitae Variant Classification Sherloc (09022015). Collection method: clinical testing. Allele origin: germline.
Comment: This sequence change creates a premature translational stop signal (p.Arg1649Phefs*30) in the BRCA1 gene. It is expected to result in an absent or disrupted protein product. Loss-of-function variants in BRCA1 are known to be pathogenic (PMID: 20104584). This variant is not present in population databases (gnomAD no frequency). This premature translational stop signal has been observed in individual(s) with a personal and/or family history of breast and/or ovarian cancer (PMID: 15887246, 21120943, 24549055, 27469594). This variant is also known as 5064delAGA/insT4-ter1678. ClinVar contains an entry for this variant (Variation ID: 1076914). For these reasons, this variant has been classified as Pathogenic.

Literature cited by the submitters: PubMed 20104584; PubMed 15887246; PubMed 21120943; PubMed 24549055; PubMed 27469594.